The following is an entry in ClinVar:

NM_018979.4(WNK1):c.2328G>A (p.Gln776=)

Gene: WNK1 (WNK lysine deficient protein kinase 1; plus strand). Cytogenetic location: 12p13.33.
Variant type: single nucleotide variant.
Coding change: c.2328G>A on transcript NM_018979.4 (MANE Select); coding-DNA position 2328, G replaced by A.
Protein change: p.Gln776=; no amino-acid change (glutamine 776 retained).
Molecular consequence: synonymous variant.
Genome position (GRCh38, 1-based): chr12:878,316, G>A. VCF-style: chr12-878316-G-A. GRCh37 (hg19) VCF-style: chr12-987482-G-A.
Other names: p.Gln776=; c.3567G>A, p.Gln1189= (NM_001184985.2); c.2325G>A, p.Gln775= (NM_014823.3); c.3822G>A, p.Gln1274= (NM_213655.5).
Identifiers: ClinVar variation 261067 (VCV000261067.28), dbSNP rs1012729, ClinGen allele CA6382442.
Genomic context (GRCh38, chr12:878,316, plus strand): 5'-GTATTCACTTTCACAGACATCAACCTCCAGTGAGGCCACTACTGCACAGCCAGTGAGTCA[G>A]CCTCAAGCTCCACAAGTCTTGCCTCAAGTATCAGCTGGAAAACAGGTAAACTTTTTTTTT-3'
Protein context (NP_061852.3, residues 766-786): SEATTAQPVS[Gln776=]PQAPQVLPQV

ClinVar aggregate classification (germline): Benign. Review status: criteria provided, multiple submitters, no conflicts (2 of 4 stars). 12 submissions from 12 submitters: Benign (9). 3 of the submissions do not count toward it. Last evaluated 2026-02-04.

Conditions:
Pseudohypoaldosteronism type 2C (PHA2C). Also called: Pseudohypoaldosteronism Type IIC. Identifiers: Orphanet 757, Orphanet 88940, MedGen C1840391, MONDO:0013778, OMIM 614492.
Neuropathy, hereditary sensory and autonomic, type 2A (HSAN2A). Also called: ACROOSTEOLYSIS, GIACCAI TYPE; ACROOSTEOLYSIS, NEUROGENIC; MORVAN DISEASE; NEUROPATHY, CONGENITAL SENSORY; NEUROPATHY, HEREDITARY SENSORY RADICULAR, AUTOSOMAL RECESSIVE; NEUROPATHY, HEREDITARY SENSORY, TYPE IIA. Identifiers: Orphanet 970, MedGen C2752089, MONDO:0024309, OMIM 201300.

Allele frequency attached by ClinVar (database versions not stated): 1000 Genomes Project 30x 0.67786; 1000 Genomes Project 0.67951; ESP Exome Variant Server 0.67953; TOPMed 0.68890; gnomAD 0.69563 and 0.69706.
gnomAD v4.1: 1,190,619 of 1,613,584 alleles (74%); highest among the groups gnomAD compares: East Asian, 79%; 441,418 homozygotes.

Submissions (12):

Labcorp Genetics (formerly Invitae), Labcorp
Classification: Benign for Neuropathy, hereditary sensory and autonomic, type 2A; Pseudohypoaldosteronism type 2C. Last evaluated: 2026-02-04. Review status: criteria provided, single submitter. Criteria: Invitae Variant Classification Sherloc (09022015). Collection method: clinical testing. Allele origin: germline.

Blueprint Genetics
Classification: Benign. Last evaluated: 2024-11-27. Review status: criteria provided, single submitter. Criteria: ACMG Guidelines, 2015. Collection method: clinical testing. Allele origin: germline.

Mayo Clinic Laboratories, Mayo Clinic
Classification: Benign. Last evaluated: 2022-03-09. Review status: criteria provided, single submitter. Criteria: ACMG Guidelines, 2015. Collection method: clinical testing. Allele origin: germline. Observed: 2,133 variant alleles.

Genome-Nilou Lab
Classification: Benign for Neuropathy, hereditary sensory and autonomic, type 2A. Last evaluated: 2021-07-14. Review status: criteria provided, single submitter. Criteria: ACMG Guidelines, 2015. Collection method: clinical testing. Allele origin: germline. Affected: no.

Illumina Laboratory Services, Illumina
Classification: Benign for Pseudohypoaldosteronism type 2C. Last evaluated: 2018-01-13. Review status: criteria provided, single submitter. Criteria: ICSL Variant Classification Criteria 13 December 2019. Collection method: clinical testing. Allele origin: germline.
Comment: This variant was observed in the ICSL laboratory as part of a predisposition screen in an ostensibly healthy population. It had not been previously curated by ICSL or reported in the Human Gene Mutation Database (HGMD: prior to June 1st, 2018), and was therefore a candidate for classification through an automated scoring system. Utilizing variant allele frequency, disease prevalence and penetrance estimates, and inheritance mode, an automated score was calculated to assess if this variant is too frequent to cause the disease. Based on the score and internal cut-off values, a variant classified as benign is not then subjected to further curation. The score for this variant resulted in a classification of benign for this disease.

Athena Diagnostics
Classification: Benign for Neuropathy, hereditary sensory and autonomic, type 2A. Last evaluated: 2017-06-12. Review status: criteria provided, single submitter. Criteria: Athena Diagnostics Criteria. Collection method: clinical testing. Allele origin: germline.

GeneDx
Classification: Benign. Last evaluated: 2015-03-03. Review status: criteria provided, single submitter. Criteria: GeneDx Variant Classification Process June 2021. Collection method: clinical testing. Allele origin: germline. Affected: yes.

Breakthrough Genomics
Classification: Benign. Review status: criteria provided, single submitter. Criteria: ACMG Guidelines, 2015. Collection method: not provided. Allele origin: germline. Inheritance: Autosomal recessive inheritance. Affected: yes.

PreventionGenetics, part of Exact Sciences
Classification: Benign. Review status: criteria provided, single submitter. Criteria: ACMG Guidelines, 2015. Collection method: clinical testing. Allele origin: germline.

Clinical Genetics, Academic Medical Center
Classification: Benign. Review status: no assertion criteria provided. Collection method: clinical testing. Allele origin: germline. Affected: yes. Study: VKGL Data-share Consensus. Not counted in ClinVar's aggregate classification.

Diagnostic Laboratory, Department of Genetics, University Medical Center Groningen
Classification: Benign. Review status: no assertion criteria provided. Collection method: clinical testing. Allele origin: germline. Affected: yes. Study: VKGL Data-share Consensus. Not counted in ClinVar's aggregate classification.

Joint Genome Diagnostic Labs from Nijmegen and Maastricht, Radboudumc and MUMC+
Classification: Benign. Review status: no assertion criteria provided. Collection method: clinical testing. Allele origin: germline. Affected: yes. Study: VKGL Data-share Consensus. Not counted in ClinVar's aggregate classification.